The following is an entry in ClinVar:

ClinVar aggregate classification (germline): Pathogenic (1 of 4 stars; one submission).

Conditions:
Coffin-Lowry syndrome (CLS). Also called: Mental retardation with osteocartilaginous abnormalities; COFFIN-LOWRY SYNDROME, MILD. Identifiers: Orphanet 192, MedGen C0265252, MONDO:0010561, OMIM 303600.

Submission:

Juno Genomics, Hangzhou Juno Genomics, Inc
Classification: Pathogenic for Coffin-Lowry syndrome. Review status: criteria provided, single submitter. Criteria: ACMG Guidelines, 2015. Collection method: clinical testing. Allele origin: germline. Affected: yes.
Comment: Absent from controls (or at extremely low frequency if recessive) in Genome Aggregation Database, Exome Sequencing Project, 1000 Genomes Project, or Exome Aggregation Consortium.;Null variant in a gene where loss of function (LOF) is a known mechanism of disease.;Patient's phenotype or family history is highly specific for a disease with a single genetic etiology.

NM_004586.3(RPS6KA3):c.1052_1056delinsTGAG (p.Pro351fs)

Gene: RPS6KA3 (ribosomal protein S6 kinase A3; minus strand). Cytogenetic location: Xp22.12.
Variant type: Indel.
Coding change: c.1052_1056delinsTGAG on transcript NM_004586.3 (MANE Select); coding-DNA positions 1052 to 1056, CTGAA replaced by TGAG.
Protein change: p.Pro351fs; shifts the reading frame from proline 351.
Molecular consequence: frameshift variant.
Genome position (GRCh38, 1-based): chrX:20,176,296-20,176,300, TTCAG replaced by CTCA on the plus strand (CTGAA replaced by TGAG on the coding strand, the reverse complement: RPS6KA3 is on the minus strand). VCF-style: chrX-20176296-TTCAG-CTCA. GRCh37 (hg19) VCF-style: chrX-20194414-TTCAG-CTCA.
Other names: short protein forms P351fs.
Identifiers: ClinVar variation 3764688 (VCV003764688.2).